The following is an entry in ClinVar:

ClinVar aggregate classification (germline): Pathogenic. Review status: reviewed by expert panel (3 of 4 stars). 5 submissions from 5 submitters: Pathogenic (1). 4 of the submissions do not count toward it. Last evaluated 2024-05-03.

Conditions:
Primary pulmonary hypertension. Also called: Idiopathic pulmonary hypertension. Identifiers: MedGen C0152171.
Pulmonary venoocclusive disease 1 (PVOD1). Also called: Pulmonary venoocclusive disease 1, autosomal dominant. Identifiers: Orphanet 31837, MedGen C3887658, MONDO:0020713, OMIM 265450.
Pulmonary hypertension, primary, 1 (PPH1). Also called: Pulmonary hypertension, familial primary, 1, with or without HHT. Identifiers: Orphanet 422, MedGen C4552070, MONDO:0024533, OMIM 178600.
Pulmonary arterial hypertension. Identifiers: Orphanet 182090, MedGen C2973725, MeSH D000081029, MONDO:0015924, HP:0002092.

Submissions (5):

Clingen Pulmonary Hypertension Variant Curation Expert Panel, ClinGen
Classification: Pathogenic for Pulmonary arterial hypertension. Last evaluated: 2024-05-03. Review status: reviewed by expert panel. Criteria: ClinGen PH ACMG Specifications BMPR2 V1.1.0. Collection method: curation. Allele origin: germline. Inheritance: Autosomal dominant inheritance.
Comment: The NM_001204.7(BMPR2) c.968-5A>G is an intronic variant at Intron 7. This variant is absent from gnomAD v2.1.1 and v3.1.2 controls (PM2_supporting). It is predicted to create a strong acceptor site gain (PP3_supporting) and PH VCEP internal unpublished RNA sequencing data confirmed an effect on splicing leading to NMD. The c.968-5G>A variant leads to the inclusion of 4 bases of intron 7 into the mature mRNA creating a frameshift and a STOP codon at position 327(PVS1_strong). The variant has been reported in 2 unrelated PAH patients: first proband is associated with the publication (PMID: 19555857) and the second proband, with no further information for co-segregation, is from an internal lab contributor (PS4_Supporting). In summary, this variant meets the criteria to be classified as pathogenic for autosomal dominant pulmonary arterial hypertension based on the ACMG/AMP criteria applied, as specified by the ClinGen Pulmonary Hypertension VCEP: PVS1_strong, PM2_supporting, PS4_supporting and PP3_supporting (VCEP specifications version 1.1, 1/18/2024)

Labcorp Genetics (formerly Invitae), Labcorp
Classification: Pathogenic for Primary pulmonary hypertension. Last evaluated: 2025-03-24. Review status: criteria provided, single submitter. Criteria: Invitae Variant Classification Sherloc (09022015). Collection method: clinical testing. Allele origin: germline. Not counted in ClinVar's aggregate classification.
Comment: This sequence change falls in intron 7 of the BMPR2 gene. It does not directly change the encoded amino acid sequence of the BMPR2 protein. This variant is not present in population databases (gnomAD no frequency). This variant has been observed in individuals with pulmonary arterial hypertension (PMID: 19555857; internal data). Invitae Evidence Modeling of clinical and family history, age, sex, and reported ancestry of multiple individuals with this BMPR2 variant has been performed. This variant is expected to be pathogenic with a positive predictive value of at least 99%. This is a validated machine learning model that incorporates the clinical features of 19,619 individuals referred to our laboratory for BMPR2 testing. ClinVar contains an entry for this variant (Variation ID: 409829). Algorithms developed to predict the effect of sequence changes on RNA splicing suggest that this variant may disrupt the consensus splice site. For these reasons, this variant has been classified as Pathogenic.

Greenwood Genetic Center Diagnostic Laboratories, Greenwood Genetic Center
Classification: Uncertain significance. Last evaluated: 2022-02-04. Review status: criteria provided, single submitter. Criteria: ACMG Guidelines, 2015. Collection method: clinical testing. Allele origin: germline. Affected: yes. Not counted in ClinVar's aggregate classification.
Comment: PS4_Supporting, PP3, PM2

Baylor Genetics
Classification: Uncertain significance for Pulmonary venoocclusive disease 1. Last evaluated: 2019-11-15. Review status: criteria provided, single submitter. Criteria: ACMG Guidelines, 2015. Collection method: clinical testing. Allele origin: unknown. Affected: yes. Not counted in ClinVar's aggregate classification.
Comment: This variant was determined to be of uncertain significance according to ACMG Guidelines, 2015 [PMID:25741868].

Rare Disease Genomics Group, St George's University of London
Classification: Pathogenic for Primary pulmonary hypertension. Review status: no assertion criteria provided. Collection method: literature only. Allele origin: germline. Affected: yes. Not counted in ClinVar's aggregate classification.

Literature cited by the submitters: PubMed 19555857 (cited by Labcorp Genetics (formerly Invitae), Labcorp and Rare Disease Genomics Group, St George's University of London).

NM_001204.7(BMPR2):c.968-5A>G

Gene: BMPR2 (bone morphogenetic protein receptor type 2; plus strand). Cytogenetic location: 2q33.2.
Variant type: single nucleotide variant.
Coding change: c.968-5A>G on transcript NM_001204.7 (MANE Select); 5 bases into the intron before coding-DNA position 968, A replaced by G.
Molecular consequence: intron variant.
Genome position (GRCh38, 1-based): chr2:202,530,789, A>G. VCF-style: chr2-202530789-A-G. GRCh37 (hg19) VCF-style: chr2-203395512-A-G.
Other names: c.968-5A>G (LRG_712t1).
Identifiers: ClinVar variation 409829 (VCV000409829.13), dbSNP rs1060502584, ClinGen allele CA16610662.